The following is an entry in ClinVar:

NM_000540.3(RYR1):c.12028G>A (p.Glu4010Lys)

Gene: RYR1 (ryanodine receptor 1; plus strand). Cytogenetic location: 19q13.2.
Variant type: single nucleotide variant.
Coding change: c.12028G>A on transcript NM_000540.3 (MANE Select); coding-DNA position 12028, G replaced by A.
Protein change: p.Glu4010Lys; replaces glutamic acid 4010 with lysine.
Molecular consequence: missense variant.
Genome position (GRCh38, 1-based): chr19:38,546,460, G>A. VCF-style: chr19-38546460-G-A. GRCh37 (hg19) VCF-style: chr19-39037100-G-A.
Other names: c.12013G>A, p.Glu4005Lys (NM_001042723.2); short protein forms E4005K, E4010K.
Identifiers: ClinVar variation 1019540 (VCV001019540.16), dbSNP rs755088027, ClinGen allele CA058118.

ClinVar aggregate classification (germline): Uncertain significance. Review status: reviewed by expert panel (3 of 4 stars). 6 submissions from 6 submitters: Uncertain significance (1). 5 of the submissions do not count toward it. Last evaluated 2025-08-01.

Conditions:
Congenital myopathy. Identifiers: Orphanet 97245, MedGen C0270960, MONDO:0019952.
Malignant hyperthermia, susceptibility to, 1 (MHS1). Also called: RYR1-Related Malignant Hyperthermia Susceptibility; Malignant hyperthermia suceptibility 1; Anesthesia related hyperthermia; Malignant hyperpyrexia; Fulminating hyperpyrexia; Pharmacogenic myopathy. Identifiers: Orphanet 423, MedGen C2930980, MONDO:0007783, OMIM 145600.
Congenital multicore myopathy with external ophthalmoplegia (CMYO1B). Also called: Minicore myopathy with external ophthalmoplegia; MULTIMINICORE DISEASE WITH EXTERNAL OPHTHALMOPLEGIA; Congenital myopathy 1B, autosomal recessive; Minicore myopathy; MULTICORE MYOPATHY. Identifiers: Orphanet 598, Orphanet 98905, MedGen C1850674, MONDO:0009712, OMIM 255320, HP:0003789.
King Denborough syndrome (KDS). Identifiers: MedGen C1840365, MONDO:0020485, OMIM 619542.
Congenital myopathy with fiber type disproportion. Also called: Congenital fiber-type disproportion; Congenital fiber-type disproportion myopathy. Identifiers: Orphanet 2020, MedGen C0546264, MONDO:0009711. Inheritance: all.
Central core myopathy (CMYO1A). Also called: Central core disease; Myopathy, central fibrillar; CONGENITAL MYOPATHY 1A, AUTOSOMAL DOMINANT, WITH SUSCEPTIBILITY TO MALIGNANT HYPERTHERMIA. Identifiers: Orphanet 597, MedGen C5830701, MONDO:0007294, OMIM 117000.
RYR1-related disorder. Also called: RYR1-related disorders; RYR1-related condition. Identifiers: MedGen CN239331.

Allele frequency attached by ClinVar (database versions not stated): TOPMed 0.00002; gnomAD 0.00003 and 0.00004; gnomAD exomes 0.00003; ExAC 0.00005.
gnomAD v4.1: 61 of 1,613,710 alleles (0.0038%); highest among the groups gnomAD compares: African/African-American, 0.0067%; no homozygotes.

Submissions (6):

ClinGen Malignant Hyperthermia Susceptibility Variant Curation Expert Panel, ClinGen
Classification: Uncertain significance for Malignant hyperthermia, susceptibility to, 1. Last evaluated: 2025-08-01. Review status: reviewed by expert panel. Criteria: ClinGen MHS ACMG Specifications V2. Collection method: curation. Allele origin: germline. Inheritance: Autosomal dominant inheritance.
Comment: This pathogenicity assessment is relevant only for malignant hyperthermia susceptibility (MHS) inherited in an autosomal dominant pattern. Variants in RYR1 can also cause other myopathies inherited in an autosomal dominant pattern or in an autosomal recessive pattern. Some of these disorders may predispose individuals to malignant hyperthermia. RYR1 variants may also contribute to a malignant hyperthermia reaction in combination with other genetic and non-genetic factors and the clinician needs to consider such factors in making management decisions. This sequence variant predicts a substitution of glutamic acid with lysine at codon 4010 of the RYR1 protein, p.(Glu4010Lys). The maximum allele frequency for this variant among the six major gnomAD populations is AFR:0.000062, a frequency consistent with pathogenicity for MHS. This variant has been reported in an individual with a personal or family history of an MH episode and a positive in vitro contracture test (IVCT) or caffeine halothane contracture test (CHCT) result (if the proband was unavailable for testing, a positive diagnostic test result in a mutation-positive relative was counted), PS4_Supporting (PMID:25658027). No functional studies were identified for this variant. This variant does not reside in a hotspot for pathogenic variants that contribute to MHS. A REVEL score <0.5 (0.178) supports a benign status for this variant, BP4. This variant has been classified as a Variant of Unknown Significance. Criteria implemented: PS4_Supporting, BP4.

Labcorp Genetics (formerly Invitae), Labcorp
Classification: Uncertain significance for RYR1-related disorder. Last evaluated: 2025-11-29. Review status: criteria provided, single submitter. Criteria: Invitae Variant Classification Sherloc (09022015). Collection method: clinical testing. Allele origin: germline. Not counted in ClinVar's aggregate classification.
Comment: This sequence change replaces glutamic acid, which is acidic and polar, with lysine, which is basic and polar, at codon 4010 of the RYR1 protein (p.Glu4010Lys). This variant is present in population databases (rs755088027, gnomAD 0.007%). This missense change has been observed in individual(s) with malignant hyperthermia (PMID: 25658027, 30236257). ClinVar contains an entry for this variant (Variation ID: 1019540). Invitae Evidence Modeling of protein sequence and biophysical properties (such as structural, functional, and spatial information, amino acid conservation, physicochemical variation, residue mobility, and thermodynamic stability) indicates that this missense variant is not expected to disrupt RYR1 protein function with a negative predictive value of 80%. In summary, the available evidence is currently insufficient to determine the role of this variant in disease. Therefore, it has been classified as a Variant of Uncertain Significance.

Color Diagnostics, LLC DBA Color Health
Classification: Uncertain significance for Malignant hyperthermia, susceptibility to, 1. Last evaluated: 2025-06-03. Review status: criteria provided, single submitter. Criteria: ACMG Guidelines, 2015. Collection method: clinical testing. Allele origin: germline. Not counted in ClinVar's aggregate classification.
Comment: This missense variant replaces glutamic acid with lysine at codon 4010 of the RYR1 protein. Computational prediction suggests that this variant may not impact protein structure and function. To our knowledge, functional studies have not been reported for this variant. This variant has been reported in one family affected with malignant hyperthermia susceptibility (PMID: 25658027, 30236257). This variant has been identified in 8/251450 chromosomes in the general population by the Genome Aggregation Database (gnomAD). The available evidence is insufficient to determine the role of this variant in disease conclusively. Therefore, this variant is classified as a Variant of Uncertain Significance.

All of Us Research Program, National Institutes of Health
Classification: Uncertain significance for Malignant hyperthermia, susceptibility to, 1. Last evaluated: 2023-08-23. Review status: criteria provided, single submitter. Criteria: ACMG Guidelines, 2015. Collection method: clinical testing. Allele origin: germline. Inheritance: Autosomal dominant inheritance. Observed: 7 variant alleles, 7 heterozygotes. Not counted in ClinVar's aggregate classification.
Comment: This missense variant replaces glutamic acid with lysine at codon 4010 of the RYR1 protein. Computational prediction suggests that this variant may not impact protein structure and function (internally defined REVEL score threshold <= 0.5, PMID: 27666373). To our knowledge, functional studies have not been reported for this variant. This variant has been reported in one family affected with malignant hyperthermia susceptibility (PMID: 30236257). This variant has been identified in 8/251450 chromosomes in the general population by the Genome Aggregation Database (gnomAD). The available evidence is insufficient to determine the role of this variant in disease conclusively. Therefore, this variant is classified as a Variant of Uncertain Significance.

This study involves interpretation of variants in research participants for the purpose of population health screening. Participant phenotype was not available at the time of variant classification. Additional details can be found in publication PMID: 35346344, PMCID: PMC8962531

Fulgent Genetics
Classification: Uncertain significance for Central core myopathy; Malignant hyperthermia, susceptibility to, 1; Congenital myopathy 4A, autosomal dominant; Congenital multicore myopathy with external ophthalmoplegia; King Denborough syndrome. Last evaluated: 2021-10-15. Review status: criteria provided, single submitter. Criteria: ACMG Guidelines, 2015. Collection method: clinical testing. Allele origin: unknown. Not counted in ClinVar's aggregate classification.

Cambridge Genomics Laboratory, East Genomic Laboratory Hub, NHS Genomic Medicine Service
Classification: Likely benign for Congenital myopathy. Last evaluated: 2019-04-17. Review status: criteria provided, single submitter. Criteria: ACGS Best Practice Guidelines for Variant Classification in Rare Disease 2020. Collection method: clinical testing. Allele origin: germline. Affected: yes. Observed: 1 variant allele. Not counted in ClinVar's aggregate classification.

Literature cited by the submitters: PubMed 25658027 (cited by Labcorp Genetics (formerly Invitae), Labcorp and Color Diagnostics, LLC DBA Color Health); PubMed 30236257 (cited by 3 submitters).